The following is an entry in ClinVar:

ClinVar aggregate classification (germline): Conflicting classifications of pathogenicity. Review status: criteria provided, conflicting classifications (1 of 4 stars). 2 submissions from 2 submitters: Uncertain significance (1); Likely benign (1). Last evaluated 2026-07-07.

Conditions:
Gorlin syndrome. Also called: Nevoid Basal Cell Carcinoma Syndrome; Basal cell nevus syndrome. Identifiers: Orphanet 377, MedGen C0004779, MONDO:0007187.
Hereditary cancer-predisposing syndrome. Also called: Hereditary Cancer Syndrome; Hereditary neoplastic syndrome; Neoplastic Syndromes, Hereditary; Tumor predisposition. Identifiers: Orphanet 140162, MedGen C0027672, MeSH D009386, MONDO:0015356.

gnomAD v4.1: 1 of 1,613,792 alleles (0.000062%); highest among the groups gnomAD compares: South Asian, 0.0011%; no homozygotes.

Submissions (2):

Ambry Genetics
Classification: Uncertain significance for Hereditary cancer-predisposing syndrome. Last evaluated: 2026-07-07. Review status: criteria provided, single submitter. Criteria: Ambry Variant Classification Scheme 2023. Collection method: clinical testing. Allele origin: germline.
Comment: The p.T485A variant (also known as c.1453A>G), located in coding exon 12 of the PTCH1 gene, results from an A to G substitution at nucleotide position 1453. The threonine at codon 485 is replaced by alanine, an amino acid with similar properties. This amino acid position is conserved. In addition, this alteration is predicted to be deleterious by in silico analysis. Based on the available evidence, the clinical significance of this variant remains unclear.

Labcorp Genetics (formerly Invitae), Labcorp
Classification: Likely benign for Gorlin syndrome. Last evaluated: 2025-05-26. Review status: criteria provided, single submitter. Criteria: Invitae Variant Classification Sherloc (09022015). Collection method: clinical testing. Allele origin: germline.

NM_000264.5(PTCH1):c.1651A>G (p.Thr551Ala)

Gene: PTCH1 (patched 1; minus strand). Cytogenetic location: 9q22.32.
Variant type: single nucleotide variant.
Coding change: c.1651A>G on transcript NM_000264.5 (MANE Select); coding-DNA position 1651, A replaced by G.
Protein change: p.Thr551Ala; replaces threonine 551 with alanine.
Molecular consequence: missense variant. On other transcripts: non-coding transcript variant (1).
Genome position (GRCh38, 1-based): chr9:95,476,111, T>C on the plus strand (A>G on the coding strand, the complement: PTCH1 is on the minus strand). VCF-style: chr9-95476111-T-C. GRCh37 (hg19) VCF-style: chr9-98238393-T-C.
Other names: c.1198A>G, p.Thr400Ala (NM_001083606.3, NM_001083607.3, NM_001083604.3 and 1 more transcripts); c.1495A>G, p.Thr499Ala (NM_001354918.2); c.1453A>G, p.Thr485Ala (NM_001083602.3); c.1648A>G, p.Thr550Ala (NM_001083603.3); short protein forms T485A, T400A, T499A, T550A, T551A.
Identifiers: ClinVar variation 4745003 (VCV004745003.2).
Genomic context (GRCh38, chr9:95,476,111, plus strand): 5'-GCAGAGCGGGAATTGGGATTAACGCGGCCATGAAGAAGGCTGTGACATTGCTGATGGACG[T>C]GAGGGCCACGCTGGCTCCTGTGCGCTTCAGGCACTCCCCGGTCCTGTCCTGGGAATAAAA-3'
Protein context (NP_000255.2, residues 541-561): LKRTGASVAL[Thr551Ala]SISNVTAFFM